The following is an entry in ClinVar:

ClinVar aggregate classification (germline): Uncertain significance. Review status: criteria provided, single submitter (1 of 4 stars). 2 submissions from 2 submitters: Uncertain significance (1). 1 of the submissions does not count toward it. Last evaluated 2025-09-15.

Conditions:
Carnitine palmitoyltransferase II deficiency. Also called: Carnitine Palmitoyltransferase 2 Deficiency. Identifiers: Orphanet 157, MedGen C0342790, MONDO:0015515.

Allele frequency attached by ClinVar (database versions not stated): ExAC 0.00001; gnomAD 0.00001; gnomAD exomes 0.00001; TOPMed 0.00001.

Submissions (2):

Labcorp Genetics (formerly Invitae), Labcorp
Classification: Uncertain significance for Carnitine palmitoyltransferase II deficiency. Last evaluated: 2025-09-15. Review status: criteria provided, single submitter. Criteria: Invitae Variant Classification Sherloc (09022015). Collection method: clinical testing. Allele origin: germline.
Comment: This sequence change replaces histidine, which is basic and polar, with tyrosine, which is neutral and polar, at codon 584 of the CPT2 protein (p.His584Tyr). This variant is present in population databases (rs781418379, gnomAD 0.009%). This variant has not been reported in the literature in individuals affected with CPT2-related conditions. ClinVar contains an entry for this variant (Variation ID: 1039367). Invitae Evidence Modeling of protein sequence and biophysical properties (such as structural, functional, and spatial information, amino acid conservation, physicochemical variation, residue mobility, and thermodynamic stability) indicates that this missense variant is not expected to disrupt CPT2 protein function with a negative predictive value of 80%. In summary, the available evidence is currently insufficient to determine the role of this variant in disease. Therefore, it has been classified as a Variant of Uncertain Significance.

Natera, Inc.
Classification: Uncertain significance for Carnitine palmitoyltransferase II deficiency. Last evaluated: 2020-09-02. Review status: no assertion criteria provided. Collection method: clinical testing. Allele origin: germline. Not counted in ClinVar's aggregate classification.

NM_000098.3(CPT2):c.1750C>T (p.His584Tyr)

Gene: CPT2 (carnitine palmitoyltransferase 2; plus strand). Cytogenetic location: 1p32.3.
Variant type: single nucleotide variant.
Coding change: c.1750C>T on transcript NM_000098.3 (MANE Select); coding-DNA position 1750, C replaced by T.
Protein change: p.His584Tyr; replaces histidine 584 with tyrosine.
Molecular consequence: missense variant.
Genome position (GRCh38, 1-based): chr1:53,213,368, C>T. VCF-style: chr1-53213368-C-T. GRCh37 (hg19) VCF-style: chr1-53679040-C-T.
Other names: c.1681C>T, p.His561Tyr (NM_001330589.2); short protein forms H584Y, H561Y.
Identifiers: ClinVar variation 1039367 (VCV001039367.12), dbSNP rs781418379, ClinGen allele CA859268.